The following is an entry in ClinVar:

NM_138817.3(SLC7A13):c.1370A>G (p.Gln457Arg)

Gene: SLC7A13 (solute carrier family 7 member 13; minus strand). Cytogenetic location: 8q21.3.
Variant type: single nucleotide variant.
Coding change: c.1370A>G on transcript NM_138817.3 (MANE Select); coding-DNA position 1370, A replaced by G.
Protein change: p.Gln457Arg; replaces glutamine 457 with arginine.
Molecular consequence: missense variant.
Genome position (GRCh38, 1-based): chr8:86,214,456, T>C on the plus strand (A>G on the coding strand, the complement: SLC7A13 is on the minus strand). VCF-style: chr8-86214456-T-C. GRCh37 (hg19) VCF-style: chr8-87226685-T-C.
Other names: c.1370A>G (NM_138817.2); short protein forms Q457R.
Identifiers: ClinVar variation 2894927 (VCV002894927.4), dbSNP rs565451049, ClinGen allele CA4797550.

ClinVar aggregate classification (germline): Uncertain significance. Review status: criteria provided, multiple submitters, no conflicts (2 of 4 stars). 2 submissions from 2 submitters: Uncertain significance (2). Last evaluated 2025-08-02.

Allele frequency attached by ClinVar (database versions not stated): ExAC 0.00002; gnomAD 0.00009; TOPMed 0.00005; gnomAD exomes 0.00006.
gnomAD v4.1: 102 of 1,610,682 alleles (0.0063%); highest among the groups gnomAD compares: Non-Finnish European, 0.0084%; no homozygotes.

Submissions (2):

Ambry Genetics
Classification: Uncertain significance. Last evaluated: 2025-08-02. Review status: criteria provided, single submitter. Criteria: Ambry Variant Classification Scheme 2023. Collection method: clinical testing. Allele origin: germline.

Labcorp Genetics (formerly Invitae), Labcorp
Classification: Uncertain significance. Last evaluated: 2025-06-15. Review status: criteria provided, single submitter. Criteria: Invitae Variant Classification Sherloc (09022015). Collection method: clinical testing. Allele origin: germline.
Comment: This sequence change replaces glutamine, which is neutral and polar, with arginine, which is basic and polar, at codon 457 of the SLC7A13 protein (p.Gln457Arg). This variant is present in population databases (rs565451049, gnomAD 0.01%). This variant has not been reported in the literature in individuals affected with SLC7A13-related conditions. ClinVar contains an entry for this variant (Variation ID: 2894927). An algorithm developed to predict the effect of missense changes on protein structure and function (PolyPhen-2) suggests that this variant is likely to be disruptive. In summary, the available evidence is currently insufficient to determine the role of this variant in disease. Therefore, it has been classified as a Variant of Uncertain Significance.